The following is an entry in ClinVar:

NM_000548.5(TSC2):c.120C>A (p.Ile40=)

Gene: TSC2 (TSC complex subunit 2; plus strand). Cytogenetic location: 16p13.3.
Variant type: single nucleotide variant.
Coding change: c.120C>A on transcript NM_000548.5 (MANE Select); coding-DNA position 120, C replaced by A.
Protein change: p.Ile40=; no amino-acid change (isoleucine 40 retained).
Molecular consequence: synonymous variant. On other transcripts: 5 prime UTR variant (19), non-coding transcript variant (5), intron variant (6).
Genome position (GRCh38, 1-based): chr16:2,048,735, C>A. VCF-style: chr16-2048735-C-A. GRCh37 (hg19) VCF-style: chr16-2098736-C-A.
Other names: c.120C>A, p.Ile40= (NM_001077183.3, NM_001114382.3, NM_001318827.2 and 13 more transcripts); c.-107C>A (NM_001318831.2, NM_001406682.1, NM_001406684.1 and 2 more transcripts); c.153C>A, p.Ile51= (NM_001318832.2); c.-697C>A (NM_001406680.1, NM_001406683.1, NM_001406687.1); c.-326C>A (NM_001406681.1); c.-1312C>A (NM_001406689.1, NM_001406690.1, NM_001406691.1 and 2 more transcripts); c.-1618C>A (NM_001406693.1); c.-1193C>A (NM_001406694.1, NM_001406695.1); and 4 more.
Identifiers: ClinVar variation 3462636 (VCV003462636.1).

ClinVar aggregate classification (germline): Uncertain significance (1 of 4 stars; one submission).

Conditions:
Hereditary cancer-predisposing syndrome. Also called: Tumor predisposition; Neoplastic Syndromes, Hereditary; Hereditary neoplastic syndrome; Hereditary Cancer Syndrome. Identifiers: Orphanet 140162, MedGen C0027672, MeSH D009386, MONDO:0015356.

gnomAD v4.1: 2 of 1,614,062 alleles (0.00012%); highest among the groups gnomAD compares: Non-Finnish European, 0.00017%; no homozygotes.

Submission:

Ambry Genetics
Classification: Uncertain significance for Hereditary cancer-predisposing syndrome. Last evaluated: 2024-10-11. Review status: criteria provided, single submitter. Criteria: Ambry Variant Classification Scheme 2023. Collection method: clinical testing. Allele origin: germline.
Comment: The c.120C>A variant (also known as p.I40I), located in coding exon 1 of the TSC2 gene, results from a C to A substitution at nucleotide position 120. This nucleotide substitution does not change the isoleucine at codon 40. This nucleotide position is well conserved in available vertebrate species. In silico splice site analysis for this alteration is inconclusive. Based on the available evidence, the clinical significance of this variant remains unclear.